The following is an entry in ClinVar:

NC_000005.9:g.(?_122682213)_(122758692_?)del

Gene: CEP120 (centrosomal protein 120; minus strand). Cytogenetic location: 5q23.2.
Variant type: Deletion.
Identifiers: ClinVar variation 1460221 (VCV001460221.6).

ClinVar aggregate classification (germline): Pathogenic (1 of 4 stars; one submission).

Conditions:
Short-rib thoracic dysplasia 13 with or without polydactyly (SRTD13). Identifiers: Orphanet 474, MedGen C4225378, MONDO:0014577, OMIM 616300.

Submission:

Labcorp Genetics (formerly Invitae), Labcorp
Classification: Pathogenic for Short-rib thoracic dysplasia 13 with or without polydactyly. Last evaluated: 2023-08-15. Review status: criteria provided, single submitter. Criteria: Invitae Variant Classification Sherloc (09022015). Collection method: clinical testing. Allele origin: germline.
Comment: For these reasons, this variant has been classified as Pathogenic. Isolated whole-gene deletions of CEP120 have not been reported in the literature. However, larger copy number events that include this gene have been reported (PMID: 30866059). A gross deletion of the genomic region encompassing the full coding sequence of the CEP120 gene has been identified. Loss-of-function variants in CEP120 are known to be pathogenic (PMID: 25251415, 27208211). The boundaries of this event are unknown as they extend beyond the assayed region for this gene and therefore may encompass additional genes.

Literature cited by the submitters: PubMed 30866059; PubMed 25251415; PubMed 27208211.